The following is an entry in ClinVar:

NM_001061.7(TBXAS1):c.451-721G>A

Gene: TBXAS1 (thromboxane A synthase 1; plus strand). Cytogenetic location: 7q34.
Variant type: single nucleotide variant.
Coding change: c.451-721G>A on transcript NM_001061.7 (MANE Select); 721 bases into the intron before coding-DNA position 451, G replaced by A.
Molecular consequence: intron variant. On other transcripts: missense variant (1).
Genome position (GRCh38, 1-based): chr7:139,952,647, G>A. VCF-style: chr7-139952647-G-A. GRCh37 (hg19) VCF-style: chr7-139652446-G-A.
Other names: c.547G>A, p.Gly183Ser (NM_001166253.4); c.451-721G>A (NM_001130966.5, NM_030984.6); c.250-721G>A (NM_001166254.4); c.394-721G>A (NM_001314028.4); c.268-721G>A (NM_001366537.3); short protein forms G184S, G183S.
Identifiers: ClinVar variation 4987031 (VCV004987031.1).

ClinVar aggregate classification (germline): Uncertain significance (1 of 4 stars; one submission).

Conditions:
TBXAS1-related disorder. Also called: TBXAS1-related condition.

gnomAD v4.1: 42 of 1,536,954 alleles (0.0027%); highest among the groups gnomAD compares: Admixed American, 0.0059%; no homozygotes.

Submission:

PreventionGenetics, part of Exact Sciences
Classification: Uncertain significance for TBXAS1-related condition. Last evaluated: 2026-06-27. Review status: criteria provided, single submitter. Criteria: ACMG Guidelines, 2015. Collection method: clinical testing. Allele origin: germline.
Comment: The TBXAS1 c.550G>A variant is predicted to result in the amino acid substitution p.Gly184Ser. To our knowledge, this variant has not been reported in the literature. This variant is reported in 0.0039% of alleles in individuals of Latino descent in gnomAD. At this time, the clinical significance of this variant is uncertain due to the absence of conclusive functional and genetic evidence.